The following is an entry in ClinVar:

NM_001037333.3(CYFIP2):c.1834C>A (p.Gln612Lys)

Gene: CYFIP2 (cytoplasmic FMR1 interacting protein 2; plus strand). Cytogenetic location: 5q33.3.
Variant type: single nucleotide variant.
Coding change: c.1834C>A on transcript NM_001037333.3 (MANE Select); coding-DNA position 1834, C replaced by A.
Protein change: p.Gln612Lys; replaces glutamine 612 with lysine.
Molecular consequence: missense variant.
Genome position (GRCh38, 1-based): chr5:157,325,490, C>A. VCF-style: chr5-157325490-C-A. GRCh37 (hg19) VCF-style: chr5-156752498-C-A.
Other names: c.1756C>A, p.Gln586Lys (NM_001291721.2); c.1909C>A, p.Gln637Lys (NM_001291722.2); c.1834C>A, p.Gln612Lys (NM_014376.4); short protein forms Q612K, Q586K, Q637K.
Identifiers: ClinVar variation 1028475 (VCV001028475.1), dbSNP rs1760952349, ClinGen allele CA361970054.

ClinVar aggregate classification (germline): Uncertain significance (1 of 4 stars; one submission).

Conditions:
Developmental and epileptic encephalopathy, 65. Also called: EPILEPTIC ENCEPHALOPATHY, EARLY INFANTILE, 65. Identifiers: MedGen C4693925, MONDO:0033374, OMIM 618008.

Submission:

Baylor Genetics
Classification: Uncertain significance for Developmental and epileptic encephalopathy, 65. Last evaluated: 2020-02-03. Review status: criteria provided, single submitter. Criteria: ACMG Guidelines, 2015. Collection method: clinical testing. Allele origin: unknown. Affected: yes.
Comment: This variant was determined to be of uncertain significance according to ACMG Guidelines, 2015 [PMID:25741868].